The following is an entry in ClinVar:

NM_016204.4(GDF2):c.121C>G (p.Leu41Val)

Gene: GDF2 (growth differentiation factor 2; plus strand). Cytogenetic location: 10q11.22.
Variant type: single nucleotide variant.
Coding change: c.121C>G on transcript NM_016204.4 (MANE Select); coding-DNA position 121, C replaced by G.
Protein change: p.Leu41Val; replaces leucine 41 with valine.
Molecular consequence: missense variant.
Genome position (GRCh38, 1-based): chr10:47,322,789, C>G. VCF-style: chr10-47322789-C-G. GRCh37 (hg19) VCF-style: chr10-48416573-G-C.
Other names: c.121C>G (NM_016204.1); short protein forms L41V.
Identifiers: ClinVar variation 2919168 (VCV002919168.4), dbSNP rs145344170, ClinGen allele CA5488200.

ClinVar aggregate classification (germline): Conflicting classifications of pathogenicity. Review status: criteria provided, conflicting classifications (1 of 4 stars). 2 submissions from 2 submitters: Uncertain significance (1); Likely benign (1). Last evaluated 2026-03-21.

Conditions:
Telangiectasia, hereditary hemorrhagic, type 5 (HHT5). Identifiers: Orphanet 774, MedGen C3809710, MONDO:0014217, OMIM 615506.
Cardiovascular phenotype. Identifiers: MedGen CN230736.

Allele frequency attached by ClinVar (database versions not stated): gnomAD 0.00005; ESP Exome Variant Server 0.00008; gnomAD exomes below 0.00001; ExAC 0.00003; TOPMed 0.00004.

Submissions (2):

Ambry Genetics
Classification: Likely benign for Cardiovascular phenotype. Last evaluated: 2026-03-21. Review status: criteria provided, single submitter. Criteria: Ambry Variant Classification Scheme 2023. Collection method: clinical testing. Allele origin: germline.

Labcorp Genetics (formerly Invitae), Labcorp
Classification: Uncertain significance for Telangiectasia, hereditary hemorrhagic, type 5. Last evaluated: 2023-11-02. Review status: criteria provided, single submitter. Criteria: Invitae Variant Classification Sherloc (09022015). Collection method: clinical testing. Allele origin: germline.
Comment: This sequence change replaces leucine, which is neutral and non-polar, with valine, which is neutral and non-polar, at codon 41 of the GDF2 protein (p.Leu41Val). This variant is present in population databases (rs145344170, gnomAD 0.03%). This variant has not been reported in the literature in individuals affected with GDF2-related conditions. An algorithm developed to predict the effect of missense changes on protein structure and function (PolyPhen-2) suggests that this variant is likely to be tolerated. In summary, the available evidence is currently insufficient to determine the role of this variant in disease. Therefore, it has been classified as a Variant of Uncertain Significance.